The following is an entry in ClinVar:

ClinVar aggregate classification (germline): Pathogenic (1 of 4 stars; one submission).

Submission:

Labcorp Genetics (formerly Invitae), Labcorp
Classification: Pathogenic. Last evaluated: 2023-09-11. Review status: criteria provided, single submitter. Criteria: Invitae Variant Classification Sherloc (09022015). Collection method: clinical testing. Allele origin: germline.
Comment: This sequence change creates a premature translational stop signal (p.Lys564Argfs*15) in the KIF11 gene. It is expected to result in an absent or disrupted protein product. Loss-of-function variants in KIF11 are known to be pathogenic (PMID: 22284827, 24281367). This variant is not present in population databases (gnomAD no frequency). This variant has not been reported in the literature in individuals affected with KIF11-related conditions. For these reasons, this variant has been classified as Pathogenic.

Literature cited by the submitters: PubMed 22284827; PubMed 24281367.

NM_004523.4(KIF11):c.1691del (p.Lys564fs)

Gene: KIF11 (kinesin family member 11; plus strand). Cytogenetic location: 10q23.33.
Variant type: Deletion.
Coding change: c.1691del on transcript NM_004523.4 (MANE Select); coding-DNA position 1691, one base deleted (A; older notation c.1691delA).
Protein change: p.Lys564fs; shifts the reading frame from lysine 564.
Molecular consequence: frameshift variant.
Genome position (GRCh38, 1-based): chr10:92,632,682, A deleted; the last of 2 consecutive A bases (chr10:92,632,681-92,632,682); deleting either gives the same sequence. VCF-style (leftmost placement, unchanged base first): chr10-92632680-TA-T. GRCh37 (hg19) VCF-style: chr10-94392437-TA-T.
Other names: short protein forms K564fs.
Identifiers: ClinVar variation 2760180 (VCV002760180.3), dbSNP rs2492519406, ClinGen allele CA2697558667.